The following is an entry in ClinVar:

NM_014297.5(ETHE1):c.325C>T (p.Gln109Ter)

Gene: ETHE1 (ETHE1 persulfide dioxygenase; minus strand). Cytogenetic location: 19q13.31.
Variant type: single nucleotide variant.
Coding change: c.325C>T on transcript NM_014297.5 (MANE Select); coding-DNA position 325, C replaced by T.
Protein change: p.Gln109Ter; replaces glutamine 109 with a stop codon.
Molecular consequence: nonsense. On other transcripts: intron variant (2).
Genome position (GRCh38, 1-based): chr19:43,526,251, G>A on the plus strand (C>T on the coding strand, the complement: ETHE1 is on the minus strand). VCF-style: chr19-43526251-G-A. GRCh37 (hg19) VCF-style: chr19-44030403-G-A.
Other names: c.292C>T, p.Gln98Ter (NM_001320867.2); c.81+846C>T (NM_001320869.2); c.6+264C>T (NM_001320868.2); short protein forms Q109*, Q98*.
Identifiers: ClinVar variation 1396975 (VCV001396975.6), dbSNP rs2146018812, ClinGen allele CA406179191.

ClinVar aggregate classification (germline): Pathogenic (1 of 4 stars; one submission).

Conditions:
Ethylmalonic encephalopathy (EE). Also called: EPEMA syndrome; Encephalopathy, petechiae, and ethylmalonic aciduria; Syndrome of encephalopathy, petechiae, and ethylmalonic aciduria. Identifiers: Orphanet 51188, MedGen C1865349, MONDO:0011229, OMIM 602473. Disease mechanism: loss of function.

Submission:

Labcorp Genetics (formerly Invitae), Labcorp
Classification: Pathogenic for Ethylmalonic encephalopathy. Last evaluated: 2021-07-31. Review status: criteria provided, single submitter. Criteria: Invitae Variant Classification Sherloc (09022015). Collection method: clinical testing. Allele origin: germline.
Comment: This variant has not been reported in the literature in individuals affected with ETHE1-related conditions. This variant is not present in population databases (ExAC no frequency). This sequence change creates a premature translational stop signal (p.Gln109*) in the ETHE1 gene. It is expected to result in an absent or disrupted protein product. Loss-of-function variants in ETHE1 are known to be pathogenic (PMID: 14732903, 19136963). For these reasons, this variant has been classified as Pathogenic.

Literature cited by the submitters: PubMed 14732903; PubMed 19136963.